The following is an entry in ClinVar:

ClinVar aggregate classification (germline): Uncertain significance. Review status: criteria provided, multiple submitters, no conflicts (2 of 4 stars). 3 submissions from 3 submitters: Uncertain significance (3). Last evaluated 2024-11-09.

Conditions:
Pierson syndrome. Also called: MICROCORIA-CONGENITAL NEPHROTIC SYNDROME. Identifiers: Orphanet 2670, MedGen C1836876, MONDO:0012184, OMIM 609049.
LAMB2-related infantile-onset nephrotic syndrome. Also called: NEPHROTIC SYNDROME, TYPE 5, WITHOUT OCULAR ABNORMALITIES; NEPHROTIC SYNDROME, TYPE 5, WITH OCULAR ABNORMALITIES; Nephrotic Syndrome, type 5. Identifiers: Orphanet 306507, MedGen C3280113, MONDO:0013621, OMIM 614199.
Inborn genetic diseases. Identifiers: MedGen C0950123, MeSH D030342.

Allele frequency attached by ClinVar (database versions not stated): gnomAD exomes 0.00003 and below 0.00001; TOPMed 0.00003; gnomAD 0.00002.
gnomAD v4.1: 46 of 1,614,046 alleles (0.0028%); highest among the groups gnomAD compares: Non-Finnish European, 0.0039%; no homozygotes.

Submissions (3):

Ambry Genetics
Classification: Uncertain significance for Inborn genetic diseases. Last evaluated: 2024-11-09. Review status: criteria provided, single submitter. Criteria: Ambry Variant Classification Scheme 2023. Collection method: clinical testing. Allele origin: germline.

Fulgent Genetics
Classification: Uncertain significance for Pierson syndrome; LAMB2-related infantile-onset nephrotic syndrome. Last evaluated: 2024-04-25. Review status: criteria provided, single submitter. Criteria: ACMG Guidelines, 2015. Collection method: clinical testing. Allele origin: germline.

Labcorp Genetics (formerly Invitae), Labcorp
Classification: Uncertain significance for LAMB2-related infantile-onset nephrotic syndrome; Pierson syndrome. Last evaluated: 2022-03-23. Review status: criteria provided, single submitter. Criteria: Invitae Variant Classification Sherloc (09022015). Collection method: clinical testing. Allele origin: germline.
Comment: In summary, the available evidence is currently insufficient to determine the role of this variant in disease. Therefore, it has been classified as a Variant of Uncertain Significance. This sequence change replaces isoleucine, which is neutral and non-polar, with methionine, which is neutral and non-polar, at codon 687 of the LAMB2 protein (p.Ile687Met). This variant is present in population databases (no rsID available, gnomAD 0.0009%). This variant has not been reported in the literature in individuals affected with LAMB2-related conditions. Algorithms developed to predict the effect of missense changes on protein structure and function are either unavailable or do not agree on the potential impact of this missense change (SIFT: "Deleterious"; PolyPhen-2: "Benign"; Align-GVGD: "Class C0"). Algorithms developed to predict the effect of sequence changes on RNA splicing suggest that this variant may create or strengthen a splice site. ClinVar contains an entry for this variant (Variation ID: 656020).

NM_002292.4(LAMB2):c.2061C>G (p.Ile687Met)

Gene: LAMB2 (laminin subunit beta 2; minus strand). Cytogenetic location: 3p21.31.
Variant type: single nucleotide variant.
Coding change: c.2061C>G on transcript NM_002292.4 (MANE Select); coding-DNA position 2061, C replaced by G.
Protein change: p.Ile687Met; replaces isoleucine 687 with methionine.
Molecular consequence: missense variant.
Genome position (GRCh38, 1-based): chr3:49,126,455, G>C on the plus strand (C>G on the coding strand, the complement: LAMB2 is on the minus strand). VCF-style: chr3-49126455-G-C. GRCh37 (hg19) VCF-style: chr3-49163888-G-C.
Other names: short protein forms I687M.
Identifiers: ClinVar variation 656020 (VCV000656020.10), dbSNP rs912735454, ClinGen allele CA74482226.